The following is an entry in ClinVar:

NM_144997.7(FLCN):c.1201C>G (p.Arg401Gly)

Gene: FLCN (folliculin; minus strand). Cytogenetic location: 17p11.2.
Variant type: single nucleotide variant.
Coding change: c.1201C>G on transcript NM_144997.7 (MANE Select); coding-DNA position 1201, C replaced by G.
Protein change: p.Arg401Gly; replaces arginine 401 with glycine.
Molecular consequence: missense variant.
Genome position (GRCh38, 1-based): chr17:17,216,479, G>C on the plus strand (C>G on the coding strand, the complement: FLCN is on the minus strand). VCF-style: chr17-17216479-G-C. GRCh37 (hg19) VCF-style: chr17-17119793-G-C.
Other names: c.1255C>G, p.Arg419Gly (NM_001353229.2); c.1201C>G, p.Arg401Gly (NM_001353230.2, NM_001353231.2); short protein forms R419G, R401G.
Identifiers: ClinVar variation 1508436 (VCV001508436.8), dbSNP rs143183215, ClinGen allele CA398531945.

ClinVar aggregate classification (germline): Uncertain significance. Review status: criteria provided, multiple submitters, no conflicts (2 of 4 stars). 2 submissions from 2 submitters: Uncertain significance (2). Last evaluated 2023-09-22.

Conditions:
Hereditary cancer-predisposing syndrome. Also called: Neoplastic Syndromes, Hereditary; Hereditary Cancer Syndrome; Tumor predisposition; Hereditary neoplastic syndrome. Identifiers: Orphanet 140162, MedGen C0027672, MeSH D009386, MONDO:0015356.
Birt-Hogg-Dube syndrome. Also called: Birt Hogg Dubé syndrome. Identifiers: Orphanet 122, MedGen C0346010, MONDO:0800444.

Submissions (2):

Ambry Genetics
Classification: Uncertain significance for Hereditary cancer-predisposing syndrome. Last evaluated: 2023-09-22. Review status: criteria provided, single submitter. Criteria: Ambry Variant Classification Scheme 2023. Collection method: clinical testing. Allele origin: germline.
Comment: The p.R401G variant (also known as c.1201C>G), located in coding exon 8 of the FLCN gene, results from a C to G substitution at nucleotide position 1201. The arginine at codon 401 is replaced by glycine, an amino acid with dissimilar properties. This amino acid position is highly conserved in available vertebrate species. In addition, this alteration is predicted to be deleterious by in silico analysis. Since supporting evidence is limited at this time, the clinical significance of this alteration remains unclear.

Labcorp Genetics (formerly Invitae), Labcorp
Classification: Uncertain significance for Birt-Hogg-Dube syndrome. Last evaluated: 2021-12-17. Review status: criteria provided, single submitter. Criteria: Invitae Variant Classification Sherloc (09022015). Collection method: clinical testing. Allele origin: germline.
Comment: Algorithms developed to predict the effect of missense changes on protein structure and function are either unavailable or do not agree on the potential impact of this missense change (SIFT: "Deleterious"; PolyPhen-2: "Benign"; Align-GVGD: "Class C0"). This variant has not been reported in the literature in individuals affected with FLCN-related conditions. This variant is not present in population databases (gnomAD no frequency). This sequence change replaces arginine, which is basic and polar, with glycine, which is neutral and non-polar, at codon 401 of the FLCN protein (p.Arg401Gly). In summary, the available evidence is currently insufficient to determine the role of this variant in disease. Therefore, it has been classified as a Variant of Uncertain Significance.